The following is an entry in ClinVar:

NM_182700.6(SP8):c.991G>A (p.Ala331Thr)

Gene: SP8 (Sp8 transcription factor; minus strand). Cytogenetic location: 7p21.1.
Variant type: single nucleotide variant.
Coding change: c.991G>A on transcript NM_182700.6 (MANE Select); coding-DNA position 991, G replaced by A.
Protein change: p.Ala331Thr; replaces alanine 331 with threonine.
Molecular consequence: missense variant.
Genome position (GRCh38, 1-based): chr7:20,784,826, C>T on the plus strand (G>A on the coding strand, the complement: SP8 is on the minus strand). VCF-style: chr7-20784826-C-T. GRCh37 (hg19) VCF-style: chr7-20824445-C-T.
Other names: c.937G>A, p.Ala313Thr (NM_198956.4); c.991G>A (NM_182700.5); short protein forms A313T, A331T.
Identifiers: ClinVar variation 2408943 (VCV002408943.4), dbSNP rs750352032, ClinGen allele CA4177848.
Genomic context (GRCh38, chr7:20,784,826, plus strand): 5'-CGCAGGTGGCGCGGCCGGAGTAGCGGCGAGCTGAGGAGCGCGGGGAGCCCCCCAGCGGCG[C>T]CGAAGGCCCAGCGCTCAACATGGAGCCCCCCGCGCCGGCCAGCGGCGACGGGGCCGAGTC-3'
Protein context (NP_874359.2, residues 321-341): GGSMLSAGPS[Ala331Thr]PLGGSPRSSA

ClinVar aggregate classification (germline): Uncertain significance. Review status: criteria provided, single submitter (1 of 4 stars). 2 submissions from 2 submitters: Uncertain significance (1). 1 of the submissions does not count toward it. Last evaluated 2022-06-30.

Conditions:
SP8-related disorder. Also called: SP8-related condition.

Allele frequency attached by ClinVar (database versions not stated): gnomAD exomes 0.00008; ExAC 0.00009; 1000 Genomes Project 30x 0.00016; TOPMed 0.00070; gnomAD 0.00076.

Submissions (2):

Ambry Genetics
Classification: Uncertain significance. Last evaluated: 2022-06-30. Review status: criteria provided, single submitter. Criteria: Ambry Variant Classification Scheme 2023. Collection method: clinical testing. Allele origin: germline.

PreventionGenetics, part of Exact Sciences
Classification: Likely benign for SP8-related condition. Last evaluated: 2022-11-19. Review status: no assertion criteria provided. Collection method: clinical testing. Allele origin: germline. Not counted in ClinVar's aggregate classification.
Comment: This variant is classified as likely benign based on ACMG/AMP sequence variant interpretation guidelines (Richards et al. 2015 PMID: 25741868, with internal and published modifications).